The following is an entry in ClinVar:

NM_006412.4(AGPAT2):c.514G>A (p.Glu172Lys)

Gene: AGPAT2 (1-acylglycerol-3-phosphate O-acyltransferase 2; minus strand). Cytogenetic location: 9q34.3.
Variant type: single nucleotide variant.
Coding change: c.514G>A on transcript NM_006412.4 (MANE Select); coding-DNA position 514, G replaced by A.
Protein change: p.Glu172Lys; replaces glutamic acid 172 with lysine.
Molecular consequence: missense variant. On other transcripts: intron variant (1).
Genome position (GRCh38, 1-based): chr9:136,676,659, C>T on the plus strand (G>A on the coding strand, the complement: AGPAT2 is on the minus strand). VCF-style: chr9-136676659-C-T. GRCh37 (hg19) VCF-style: chr9-139571111-C-T.
Other names: c.492+302G>A (NM_001012727.2); short protein forms E172K.
Identifiers: ClinVar variation 372108 (VCV000372108.9), dbSNP rs748157664, ClinGen allele CA5342949.
Genomic context (GRCh38, chr9:136,676,659, plus strand): 5'-CCAGGTAGAAGGCGCCCTTCTTAAAAGGCAGCAGGTCCCCATTGTCGTTGCGAGTACCCT[C>T]GGGATAGATCCACACTTTGAGCTGCAGGGAGAGGAGAGCCTGGACTGACCTCACGCCCAG-3'
Protein context (NP_006403.2, residues 162-182): RENLKVWIYP[Glu172Lys]GTRNDNGDLL

ClinVar aggregate classification (germline): Pathogenic/Likely pathogenic. Review status: criteria provided, multiple submitters, no conflicts (2 of 4 stars). 6 submissions from 6 submitters: Pathogenic (1); Likely pathogenic (3). 2 of the submissions do not count toward it. Last evaluated 2023-06-05.

Conditions:
Congenital generalized lipodystrophy type 1 (CGL1). Also called: Berardinelli-Seip Congenital Lipodystrophy Type 1; BRUNZELL SYNDROME, AGPAT2-RELATED. Identifiers: Orphanet 528, Orphanet 696189, MedGen C1720862, MONDO:0012071, OMIM 608594.

Allele frequency attached by ClinVar (database versions not stated): TOPMed 0.00001; ExAC 0.00001.
gnomAD v4.1: 17 of 1,613,448 alleles (0.0011%); highest among the groups gnomAD compares: Non-Finnish European, 0.0014%; no homozygotes.

Submissions (6):

Department of Human Genetics, Hannover Medical School
Classification: Likely pathogenic for Congenital generalized lipodystrophy type 1. Last evaluated: 2023-06-05. Review status: criteria provided, single submitter. Criteria: ACMG Guidelines, 2015. Collection method: clinical testing. Allele origin: germline. Inheritance: Autosomal recessive inheritance. Affected: yes.

Fulgent Genetics
Classification: Pathogenic for Congenital generalized lipodystrophy type 1. Last evaluated: 2021-06-30. Review status: criteria provided, single submitter. Criteria: ACMG Guidelines, 2015. Collection method: clinical testing. Allele origin: unknown.
Comment: This variant has been detected in individual(s) who were sent for testing of Renasight - kidney gene panel.

GeneDx
Classification: Likely pathogenic. Last evaluated: 2017-05-19. Review status: criteria provided, single submitter. Criteria: GeneDx Variant Classification (06012015). Collection method: clinical testing. Allele origin: germline. Affected: yes.
Comment: The E172K variant in the AGPAT2 gene has been reported previously in the homozygous state in association with Berardinelli-Seip syndrome (MagrÃ© et al., 2003; Haghighi et al., 2012; Rostami et al., 2013). The E172K variant is not observed at a significant frequency in large population cohorts (Lek et al., 2016; 1000 Genomes Consortium et al., 2015; Exome Variant Server). The E172K variant is a non-conservative amino acid substitution, which is likely to impact secondary protein structure as these residues differ in polarity, charge, size and/or other properties. This substitution occurs at a position that is conserved across species. In silico analysis predicts this variant is probably damaging to the protein structure/function. We interpret E172K as a likely pathogenic variant.

Clinical Genetics Service, Universitary Hospital 12 de Octubre
Classification: Likely pathogenic for Congenital generalized lipodystrophy type 1. Review status: criteria provided, single submitter. Criteria: ACMG Guidelines, 2015. Collection method: clinical testing. Allele origin: germline. Affected: yes.

OMIM
Classification: Pathogenic for LIPODYSTROPHY, CONGENITAL GENERALIZED, TYPE 1. Last evaluated: 2023-06-27. Review status: no assertion criteria provided. Collection method: literature only. Allele origin: germline. Not counted in ClinVar's aggregate classification.

GeneReviews
No classification provided. Condition: Congenital generalized lipodystrophy type 1. Review status: no classification provided. Collection method: literature only. Allele origin: germline. Affected: yes. Not counted in ClinVar's aggregate classification.

Literature cited by the submitters: PubMed 31778856 (cited by OMIM); NCBI Bookshelf NBK1212 (cited by GeneReviews).